The following is an entry in ClinVar:

ClinVar aggregate classification (germline): Pathogenic (3 of 4 stars; one submission).

Conditions:
Glanzmann thrombasthenia. Also called: BLEEDING DISORDER, PLATELET-TYPE, 2; THROMBASTHENIA OF GLANZMANN AND NAEGELI; Thrombasthenia; PLATELET GLYCOPROTEIN IIb-IIIa DEFICIENCY; Glanzmann's thrombasthenia. Identifiers: Orphanet 849, MedGen C0040015, MONDO:0100326.

Submission:

ClinGen Platelet Disorders Variant Curation Expert Panel, ClinGen
Classification: Pathogenic for Glanzmann thrombasthenia. Last evaluated: 2023-01-17. Review status: reviewed by expert panel. Criteria: ClinGen Platelet ACMG Specifications v2-1. Collection method: curation. Allele origin: germline. Inheritance: Autosomal recessive inheritance.
Comment: The c.2941C>T (p.Gln981Ter) variant in exon 28 is a nonsense variant predicted to cause a premature stop codon in biologically-relevant-exon 28 and is predicted to lead to nonsense mediated decay in a gene in which loss-of-function is an established disease mechanism. Additionally, In two siblings, it has been shown that this mutation results in exon 28 being spliced out of the final protein product (PMID: 8111043, PVS1_Moderate). Surface expression of αIIb measured by Western blot in COS-1 cells transiently co-transfected with c.2941C>T (p.Gln981Ter) αIIb and wild type αIIb showed decreased expression at 0% of WT levels, indicating that this variant impacts protein function (PMID: 1932748)(PS3). At least two patients (Patient 1 and Patient 2 from PMID:8111043) with this variant displayed mucocutaneous bleeding and impaired aggregation with all agonists except ristocetin, which is highly specific for Glanzmann thrombasthenia. Additionally, αIIbβ3 surface expression was reduced to 0% as measured by flow cytometry. However, ITGA2B and ITGB3 were not reported to be sequenced across all exons and intron/exon boundaries (PP4_Moderate). This variant has also been reported to segregate with Glanzmann thrombasthenia in the proband (confirmed by bleeding phenotype and platelet aggregometry) plus the proband's affected sister. The c.2941C>T (p.Gln981Ter) variant is inherited from the patients' father and an unspecified ITGA2B variant is inherited from their mother (PP1_Supporting, PMID: 8111043). Finally, this variant is absent from gnomAD v2.1.1 (PM2_Supporting). In summary, this variant meets the criteria to be classified as Pathogenic for autosomal recessive Glanzmann Thrombasthenia based on the ACMG/AMP criteria applied, as specified by the ClinGen PD VCEP: PVS1, PS3, PP4_Moderate, PP1 and PM2_Supporting (VCEP specifications version 2.1).

NM_000419.5(ITGA2B):c.2941C>T (p.Gln981Ter)

Gene: ITGA2B (integrin subunit alpha 2b; minus strand). Cytogenetic location: 17q21.31.
Variant type: single nucleotide variant.
Coding change: c.2941C>T on transcript NM_000419.5 (MANE Select); coding-DNA position 2941, C replaced by T.
Protein change: p.Gln981Ter; replaces glutamine 981 with a stop codon.
Molecular consequence: nonsense.
Genome position (GRCh38, 1-based): chr17:44,374,661, G>A on the plus strand (C>T on the coding strand, the complement: ITGA2B is on the minus strand). VCF-style: chr17-44374661-G-A. GRCh37 (hg19) VCF-style: chr17-42452029-G-A.
Other names: NM_000419.5:c.2941C>T; short protein forms Q981*.
Identifiers: ClinVar variation 2498349 (VCV002498349.2), dbSNP rs2510072662, ClinGen allele CA399790399.